The following is an entry in ClinVar:

ClinVar aggregate classification (germline): Uncertain significance (1 of 4 stars; one submission).

Submission:

GeneDx
Classification: Uncertain significance. Last evaluated: 2026-09-25. Review status: criteria provided, single submitter. Criteria: GeneDx Variant Classification Process June 2021. Collection method: clinical testing. Allele origin: germline.
Comment: Not observed at significant frequency in large population cohorts (gnomAD); In silico analysis supports that this missense variant has a deleterious effect on protein structure/function; Has not been previously published as pathogenic or benign to our knowledge

NM_001394062.1(MACF1):c.18789A>T (p.Glu6263Asp)

Gene: MACF1 (microtubule actin crosslinking factor 1; plus strand). Cytogenetic location: 1p34.3.
Variant type: single nucleotide variant.
Coding change: c.18789A>T on transcript NM_001394062.1 (MANE Select); coding-DNA position 18789, A replaced by T.
Protein change: p.Glu6263Asp; replaces glutamic acid 6263 with aspartic acid.
Molecular consequence: missense variant.
Genome position (GRCh38, 1-based): chr1:39,442,161, A>T. VCF-style: chr1-39442161-A-T. GRCh37 (hg19) VCF-style: chr1-39907833-A-T.
Other names: c.6867A>T, p.Glu2289Asp (NM_001397473.1); c.12612A>T, p.Glu4204Asp (NM_012090.5); short protein forms E6263D, E2289D, E4204D.
Identifiers: ClinVar variation 3731218 (VCV003731218.2).